The following is an entry in ClinVar:

NM_001267550.2(TTN):c.101233A>T (p.Thr33745Ser)

Genes: TTN (titin; minus strand), TTN-AS1 (TTN antisense RNA 1; plus strand). Cytogenetic location: 2q31.2.
Variant type: single nucleotide variant.
Coding change: c.101233A>T on transcript NM_001267550.2 (MANE Select); coding-DNA position 101233, A replaced by T.
Protein change: p.Thr33745Ser; replaces threonine 33745 with serine.
Molecular consequence: missense variant.
Genome position (GRCh38, 1-based): chr2:178,535,382, T>A on the plus strand (A>T on the coding strand, the complement: TTN is on the minus strand). VCF-style: chr2-178535382-T-A. GRCh37 (hg19) VCF-style: chr2-179400109-T-A.
Other names: c.96310A>T, p.Thr32104Ser (NM_001256850.1); c.74038A>T, p.Thr24680Ser (NM_003319.4); c.93529A>T, p.Thr31177Ser (NM_133378.4); c.74413A>T, p.Thr24805Ser (NM_133432.3); c.74614A>T, p.Thr24872Ser (NM_133437.4); short protein forms T24872S, T33745S, T31177S, T32104S, T24680S, T24805S.
Identifiers: ClinVar variation 1036101 (VCV001036101.9), dbSNP rs1690964903, ClinGen allele CA349421194.

ClinVar aggregate classification (germline): Uncertain significance (1 of 4 stars; one submission).

Conditions:
Dilated cardiomyopathy 1G (CMD1G). Identifiers: Orphanet 154, MedGen C1858763, MONDO:0011400, OMIM 604145.
Autosomal recessive limb-girdle muscular dystrophy type 2J (LGMDR10). Also called: Limb-girdle muscular dystrophy, type 2J; MUSCULAR DYSTROPHY, LIMB-GIRDLE, AUTOSOMAL RECESSIVE 10. Identifiers: Orphanet 140922, MedGen C1837342, MONDO:0012127, OMIM 608807.

Submission:

Labcorp Genetics (formerly Invitae), Labcorp
Classification: Uncertain significance for Dilated cardiomyopathy 1G; Autosomal recessive limb-girdle muscular dystrophy type 2J. Last evaluated: 2022-01-13. Review status: criteria provided, single submitter. Criteria: Invitae Variant Classification Sherloc (09022015). Collection method: clinical testing. Allele origin: germline.
Comment: ClinVar contains an entry for this variant (Variation ID: 1036101). In summary, the available evidence is currently insufficient to determine the role of this variant in disease. Therefore, it has been classified as a Variant of Uncertain Significance. This variant is located in the M band of TTN (PMID: 25589632). Variants in this region may be relevant for neuromuscular disorders, but have not been definitively shown to cause cardiomyopathy (PMID: 23975875). Experimental studies and prediction algorithms are not available or were not evaluated, and the functional significance of this variant is currently unknown. This variant has not been reported in the literature in individuals affected with TTN-related conditions. This variant is not present in population databases (gnomAD no frequency). This sequence change replaces threonine, which is neutral and polar, with serine, which is neutral and polar, at codon 33745 of the TTN protein (p.Thr33745Ser).

Literature cited by the submitters: PubMed 25589632; PubMed 23975875.